The following is an entry in ClinVar:

NM_020853.2(FAM234B):c.1145A>T (p.Asp382Val)

Gene: FAM234B (family with sequence similarity 234 member B; plus strand). Cytogenetic location: 12p13.1.
Variant type: single nucleotide variant.
Coding change: c.1145A>T on transcript NM_020853.2 (MANE Select); coding-DNA position 1145, A replaced by T.
Protein change: p.Asp382Val; replaces aspartic acid 382 with valine.
Molecular consequence: missense variant.
Genome position (GRCh38, 1-based): chr12:13,068,306, A>T. VCF-style: chr12-13068306-A-T. GRCh37 (hg19) VCF-style: chr12-13221240-A-T.
Other names: short protein forms D382V.
Identifiers: ClinVar variation 3035768 (VCV003035768.2), dbSNP rs199828824, ClinGen allele CA6459743.

ClinVar aggregate classification (germline): Likely benign (0 of 4 stars; one submission).

Conditions:
FAM234B-related disorder. Also called: FAM234B-related condition.

Allele frequency attached by ClinVar (database versions not stated): ESP Exome Variant Server 0.00023; TOPMed 0.00029; gnomAD 0.00037; 1000 Genomes Project 30x 0.00047; 1000 Genomes Project 0.00060; ExAC 0.00077.
gnomAD v4.1: 737 of 1,614,118 alleles (0.046%); highest among the groups gnomAD compares: South Asian, 0.24%; 5 homozygotes.

Submission:

PreventionGenetics, part of Exact Sciences
Classification: Likely benign for FAM234B-related condition. Last evaluated: 2019-08-05. Review status: no assertion criteria provided. Collection method: clinical testing. Allele origin: germline.
Comment: This variant is classified as likely benign based on ACMG/AMP sequence variant interpretation guidelines (Richards et al. 2015 PMID: 25741868, with internal and published modifications).